The following is an entry in ClinVar:

NC_000003.11:g.(?_48895920)_(49570632_?)del

Genes: AMT (aminomethyltransferase; minus strand), ARIH2 (ariadne RBR E3 ubiquitin protein ligase 2; plus strand), ARIH2OS (ARIH2 opposite strand lncRNA; minus strand), C3orf62 (chromosome 3 open reading frame 62; minus strand), CCDC71 (coiled-coil domain containing 71; minus strand) and 20 more. Cytogenetic location: 3p21.31.
Variant type: Deletion.
Identifiers: ClinVar variation 3246864 (VCV003246864.1).

ClinVar aggregate classification (germline): Pathogenic. Review status: criteria provided, single submitter (1 of 4 stars). 2 submissions from 1 submitter: Pathogenic (2). Last evaluated 2023-12-01.

Conditions:
Autosomal recessive limb-girdle muscular dystrophy type 2P. Also called: Limb-Girdle Muscular Dystrophy Type 9C; MUSCULAR DYSTROPHY, LIMB-GIRDLE, TYPE 2P; MUSCULAR DYSTROPHY-DYSTROGLYCANOPATHY, LIMB-GIRDLE, DAG1-RELATED. Identifiers: Orphanet 280333, MedGen C4511963, MONDO:0013440, OMIM 613818.
Muscular dystrophy-dystroglycanopathy (congenital with brain and eye anomalies), type A9. Also called: Muscular dystrophy-dystroglycanopathy (congenital with brain and eye anomalies), type a, 9; WALKER-WARBURG SYNDROME OR MUSCLE-EYE BRAIN DISEASE, DAG1-RELATED. Identifiers: Orphanet 370997, Orphanet 899, MedGen C4225291, MONDO:0014683, OMIM 616538.
Carnitine acylcarnitine translocase deficiency (CACTD). Identifiers: Orphanet 159, MedGen C0342791, MONDO:0008918, OMIM 212138.

Submissions (2):

Labcorp Genetics (formerly Invitae), Labcorp
Classification: Pathogenic for Carnitine acylcarnitine translocase deficiency. Last evaluated: 2023-12-01. Review status: criteria provided, single submitter. Criteria: Invitae Variant Classification Sherloc (09022015). Collection method: clinical testing. Allele origin: unknown.
Comment: This variant is a gross deletion of the genomic region encompassing exon(s) 1-8 of the SLC25A20 gene, which includes the initiator codon. This deletion extends beyond the assayed region for this gene and therefore may encompass additional genes. It is expected to result in an absent or disrupted protein product. Loss-of-function variants in SLC25A20 are known to be pathogenic (PMID: 25614308). This variant has not been reported in the literature in individuals affected with SLC25A20-related conditions. For these reasons, this variant has been classified as Pathogenic.

Labcorp Genetics (formerly Invitae), Labcorp
Classification: Pathogenic for Autosomal recessive limb-girdle muscular dystrophy type 2P; Muscular dystrophy-dystroglycanopathy (congenital with brain and eye anomalies), type A9. Last evaluated: 2023-12-01. Review status: criteria provided, single submitter. Criteria: Invitae Variant Classification Sherloc (09022015). Collection method: clinical testing. Allele origin: unknown.
Comment: A gross deletion of the genomic region encompassing the full coding sequence of the DAG1 gene has been identified. Loss-of-function variants in DAG1 are known to be pathogenic (PMID: 25934851). The boundaries of this event are unknown as they extend beyond the assayed region for this gene and therefore may encompass additional genes. Isolated whole-gene deletions of DAG1 have not been reported in the literature. However, larger copy number events that include this gene have been reported (PMID: 20234391). For these reasons, this variant has been classified as Pathogenic.

Literature cited by the submitters: PubMed 25614308; PubMed 25934851; PubMed 20234391.